The following is an entry in ClinVar:

ClinVar aggregate classification (germline): Uncertain significance (1 of 4 stars; one submission).

Submission:

Labcorp Genetics (formerly Invitae), Labcorp
Classification: Uncertain significance. Last evaluated: 2025-11-20. Review status: criteria provided, single submitter. Criteria: Invitae Variant Classification Sherloc (09022015). Collection method: clinical testing. Allele origin: germline.
Comment: This sequence change replaces threonine, which is neutral and polar, with isoleucine, which is neutral and non-polar, at codon 909 of the ATR protein (p.Thr909Ile). This variant is not present in population databases (gnomAD no frequency). This variant has not been reported in the literature in individuals affected with ATR-related conditions. An algorithm developed to predict the effect of missense changes on protein structure and function (PolyPhen-2) suggests that this variant is likely to be disruptive. In summary, the available evidence is currently insufficient to determine the role of this variant in disease. Therefore, it has been classified as a Variant of Uncertain Significance.

NM_001184.4(ATR):c.2726C>T (p.Thr909Ile)

Gene: ATR (ATR checkpoint kinase; minus strand). Cytogenetic location: 3q23.
Variant type: single nucleotide variant.
Coding change: c.2726C>T on transcript NM_001184.4 (MANE Select); coding-DNA position 2726, C replaced by T.
Protein change: p.Thr909Ile; replaces threonine 909 with isoleucine.
Molecular consequence: missense variant.
Genome position (GRCh38, 1-based): chr3:142,553,306, G>A on the plus strand (C>T on the coding strand, the complement: ATR is on the minus strand). VCF-style: chr3-142553306-G-A. GRCh37 (hg19) VCF-style: chr3-142272148-G-A.
Other names: c.2534C>T, p.Thr845Ile (NM_001354579.2); short protein forms T845I, T909I.
Identifiers: ClinVar variation 4797733 (VCV004797733.1).